The following is an entry in ClinVar:

NM_001854.4(COL11A1):c.3757G>A (p.Glu1253Lys)

Gene: COL11A1 (collagen type XI alpha 1 chain; minus strand). Cytogenetic location: 1p21.1.
Variant type: single nucleotide variant.
Coding change: c.3757G>A on transcript NM_001854.4 (MANE Select); coding-DNA position 3757, G replaced by A.
Protein change: p.Glu1253Lys; replaces glutamic acid 1253 with lysine.
Molecular consequence: missense variant. On other transcripts: non-coding transcript variant (1).
Genome position (GRCh38, 1-based): chr1:102,920,316, C>T on the plus strand (G>A on the coding strand, the complement: COL11A1 is on the minus strand). VCF-style: chr1-102920316-C-T. GRCh37 (hg19) VCF-style: chr1-103385872-C-T.
Other names: c.3409G>A, p.Glu1137Lys (NM_001168249.1, NM_080630.4); c.3640G>A, p.Glu1214Lys (NM_001190709.2); c.3793G>A, p.Glu1265Lys (NM_080629.3); short protein forms E1265K, E1137K, E1214K, E1253K.
Identifiers: ClinVar variation 2872894 (VCV002872894.3), dbSNP rs1295150525, ClinGen allele CA341163669.

ClinVar aggregate classification (germline): Uncertain significance (1 of 4 stars; one submission).

Allele frequency attached by ClinVar (database versions not stated): gnomAD 0.00001.

Submission:

Labcorp Genetics (formerly Invitae), Labcorp
Classification: Uncertain significance. Last evaluated: 2023-04-15. Review status: criteria provided, single submitter. Criteria: Invitae Variant Classification Sherloc (09022015). Collection method: clinical testing. Allele origin: germline.
Comment: This sequence change replaces glutamic acid, which is acidic and polar, with lysine, which is basic and polar, at codon 1253 of the COL11A1 protein (p.Glu1253Lys). In summary, the available evidence is currently insufficient to determine the role of this variant in disease. Therefore, it has been classified as a Variant of Uncertain Significance. Advanced modeling of protein sequence and biophysical properties (such as structural, functional, and spatial information, amino acid conservation, physicochemical variation, residue mobility, and thermodynamic stability) has been performed at Invitae for this missense variant, however the output from this modeling did not meet the statistical confidence thresholds required to predict the impact of this variant on COL11A1 protein function. This variant has not been reported in the literature in individuals affected with COL11A1-related conditions. This variant is not present in population databases (gnomAD no frequency).